The following is an entry in ClinVar:

NM_015909.4(NBAS):c.354dup (p.Thr119fs)

Gene: NBAS (NBAS subunit of NRZ tethering complex; minus strand). Cytogenetic location: 2p24.3.
Variant type: Duplication.
Coding change: c.354dup on transcript NM_015909.4 (MANE Select); coding-DNA position 354, one base duplicated (T; older notation c.354dupT).
Protein change: p.Thr119fs; shifts the reading frame from threonine 119.
Molecular consequence: frameshift variant. On other transcripts: non-coding transcript variant (1).
Genome position (GRCh38, 1-based): chr2:15,551,518, A duplicated on the plus strand (T on the coding strand, the reverse complement: NBAS is on the minus strand); the first of 4 consecutive A bases (chr2:15,551,518-15,551,521); duplicating any one gives the same sequence. VCF-style (leftmost placement, unchanged base first): chr2-15551517-T-TA. GRCh37 (hg19) VCF-style: chr2-15691641-T-TA.
Other names: short protein forms T119fs.
Identifiers: ClinVar variation 1958400 (VCV001958400.6), dbSNP rs763057107, ClinGen allele CA1537090.

ClinVar aggregate classification (germline): Pathogenic. Review status: criteria provided, multiple submitters, no conflicts (2 of 4 stars). 2 submissions from 2 submitters: Pathogenic (2). Last evaluated 2023-07-12.

Conditions:
Infantile liver failure syndrome 2 (ILFS2). Identifiers: MedGen C3809651, MONDO:0014659, OMIM 616483.

Submissions (2):

Department of Human Genetics, Hannover Medical School
Classification: Pathogenic for Infantile liver failure syndrome 2. Last evaluated: 2023-07-12. Review status: criteria provided, single submitter. Criteria: ACMG Guidelines, 2015. Collection method: clinical testing. Allele origin: germline. Inheritance: Autosomal recessive inheritance. Affected: yes.

Labcorp Genetics (formerly Invitae), Labcorp
Classification: Pathogenic. Last evaluated: 2022-04-28. Review status: criteria provided, single submitter. Criteria: Invitae Variant Classification Sherloc (09022015). Collection method: clinical testing. Allele origin: germline.
Comment: For these reasons, this variant has been classified as Pathogenic. This variant has not been reported in the literature in individuals affected with NBAS-related conditions. The frequency data for this variant in the population databases is considered unreliable, as metrics indicate poor data quality at this position in the gnomAD database. This sequence change creates a premature translational stop signal (p.Thr119Tyrfs*42) in the NBAS gene. It is expected to result in an absent or disrupted protein product. Loss-of-function variants in NBAS are known to be pathogenic (PMID: 26073778, 26541327, 27789416, 28031453).

Literature cited by the submitters: PubMed 26073778 (cited by Labcorp Genetics (formerly Invitae), Labcorp); PubMed 26541327 (cited by Labcorp Genetics (formerly Invitae), Labcorp); PubMed 27789416 (cited by Labcorp Genetics (formerly Invitae), Labcorp); PubMed 28031453 (cited by Labcorp Genetics (formerly Invitae), Labcorp).